The following is an entry in ClinVar:

NM_000618.5(IGF1):c.*6433G>C

Genes: LINC02456 (long intergenic non-protein coding RNA 2456; plus strand), IGF1 (insulin like growth factor 1; minus strand). Cytogenetic location: 12q23.2.
Variant type: single nucleotide variant.
Coding change: c.*6433G>C on transcript NM_000618.5 (MANE Select); 6433 bases downstream of the stop codon, G replaced by C.
Molecular consequence: 3 prime UTR variant.
Genome position (GRCh38, 1-based): chr12:102,396,074, C>G on the plus strand (G>C on the coding strand, the complement: IGF1 is on the minus strand). VCF-style: chr12-102396074-C-G. GRCh37 (hg19) VCF-style: chr12-102789852-C-G.
Other names: c.*6467G>C (NM_001111283.3); c.*6433G>C (NM_001111284.2).
Identifiers: ClinVar variation 306830 (VCV000306830.6), dbSNP rs5742714, ClinGen allele CA10631912.
Genomic context (GRCh38, chr12:102,396,074, plus strand): 5'-AGTCATTAGGATTGATATTCCTCTGCCATAAGTGAATTGAATAATAATTTCAAATACAAT[C>G]AGAATTAATTTAATAAAAAATATGCTTTTCAACTAAGACAGATGTAACGAATGGCCAGTC-3'

ClinVar aggregate classification (germline): Benign. Review status: criteria provided, multiple submitters, no conflicts (2 of 4 stars). 2 submissions from 2 submitters: Benign (2). Last evaluated 2018-01-12.

Conditions:
Growth delay due to insulin-like growth factor type 1 deficiency (IGF1D). Also called: GROWTH RETARDATION WITH SENSORINEURAL DEAFNESS AND MENTAL RETARDATION; IGF1 DEFICIENCY. Identifiers: Orphanet 73272, MedGen C1837475, MONDO:0012110, OMIM 608747.

Allele frequency attached by ClinVar (database versions not stated): gnomAD 0.08851 and 0.09070; TOPMed 0.09079; 1000 Genomes Project 30x 0.09572; 1000 Genomes Project 0.09984.

Submissions (2):

Illumina Laboratory Services, Illumina
Classification: Benign for Growth delay due to insulin-like growth factor type 1 deficiency. Last evaluated: 2018-01-12. Review status: criteria provided, single submitter. Criteria: ICSL Variant Classification Criteria 13 December 2019. Collection method: clinical testing. Allele origin: germline.
Comment: This variant was observed in the ICSL laboratory as part of a predisposition screen in an ostensibly healthy population. It had not been previously curated by ICSL or reported in the Human Gene Mutation Database (HGMD: prior to June 1st, 2018), and was therefore a candidate for classification through an automated scoring system. Utilizing variant allele frequency, disease prevalence and penetrance estimates, and inheritance mode, an automated score was calculated to assess if this variant is too frequent to cause the disease. Based on the score and internal cut-off values, a variant classified as benign is not then subjected to further curation. The score for this variant resulted in a classification of benign for this disease.

Breakthrough Genomics
Classification: Benign. Review status: criteria provided, single submitter. Criteria: ACMG Guidelines, 2015. Collection method: not provided. Allele origin: germline. Inheritance: Autosomal recessive inheritance. Affected: yes.